The following is an entry in ClinVar:

ClinVar aggregate classification (germline): Uncertain significance. Review status: criteria provided, multiple submitters, no conflicts (2 of 4 stars). 2 submissions from 2 submitters: Uncertain significance (2). Last evaluated 2025-10-21.

Conditions:
Inborn genetic diseases. Identifiers: MedGen C0950123, MeSH D030342.

Allele frequency attached by ClinVar (database versions not stated): ESP Exome Variant Server 0.00038; ExAC 0.00009.
gnomAD v4.1: 63 of 1,613,480 alleles (0.0039%); highest among the groups gnomAD compares: African/African-American, 0.059%; no homozygotes.

Submissions (2):

Labcorp Genetics (formerly Invitae), Labcorp
Classification: Uncertain significance. Last evaluated: 2025-10-21. Review status: criteria provided, single submitter. Criteria: Invitae Variant Classification Sherloc (09022015). Collection method: clinical testing. Allele origin: germline.
Comment: This sequence change replaces aspartic acid, which is acidic and polar, with valine, which is neutral and non-polar, at codon 742 of the FOCAD protein (p.Asp742Val). This variant is present in population databases (rs146908112, gnomAD 0.09%), and has an allele count higher than expected for a pathogenic variant. This variant has not been reported in the literature in individuals affected with FOCAD-related conditions. ClinVar contains an entry for this variant (Variation ID: 2369511). Experimental studies and prediction algorithms are not available or were not evaluated, and the functional significance of this variant is currently unknown. In summary, the available evidence is currently insufficient to determine the role of this variant in disease. Therefore, it has been classified as a Variant of Uncertain Significance.

Ambry Genetics
Classification: Uncertain significance for Inborn genetic diseases. Last evaluated: 2021-10-20. Review status: criteria provided, single submitter. Criteria: Ambry Variant Classification Scheme 2023. Collection method: clinical testing. Allele origin: germline.

NM_001375567.1(FOCAD):c.2225A>T (p.Asp742Val)

Gene: FOCAD (focadhesin; plus strand). Cytogenetic location: 9p21.3.
Variant type: single nucleotide variant.
Coding change: c.2225A>T on transcript NM_001375567.1 (MANE Select); coding-DNA position 2225, A replaced by T.
Protein change: p.Asp742Val; replaces aspartic acid 742 with valine.
Molecular consequence: missense variant.
Genome position (GRCh38, 1-based): chr9:20,874,715, A>T. VCF-style: chr9-20874715-A-T. GRCh37 (hg19) VCF-style: chr9-20874714-A-T.
Other names: c.2120A>T, p.Asp707Val (NM_001375568.1, NM_001375570.1); c.2225A>T, p.Asp742Val (NM_017794.5); short protein forms D707V, D742V.
Identifiers: ClinVar variation 2369511 (VCV002369511.4), dbSNP rs146908112, ClinGen allele CA5007064.